The following is an entry in ClinVar:

ClinVar aggregate classification (germline): Uncertain significance. Review status: criteria provided, multiple submitters, no conflicts (2 of 4 stars). 2 submissions from 2 submitters: Uncertain significance (2). Last evaluated 2024-03-06.

Conditions:
Hereditary cancer-predisposing syndrome. Also called: Tumor predisposition; Neoplastic Syndromes, Hereditary; Hereditary Cancer Syndrome; Hereditary neoplastic syndrome. Identifiers: Orphanet 140162, MedGen C0027672, MeSH D009386, MONDO:0015356.

gnomAD v4.1: 2 of 1,614,068 alleles (0.00012%); highest among the groups gnomAD compares: South Asian, 0.0011%; no homozygotes.

Submissions (2):

Ambry Genetics
Classification: Uncertain significance for Hereditary cancer-predisposing syndrome. Last evaluated: 2024-03-06. Review status: criteria provided, single submitter. Criteria: Ambry Variant Classification Scheme 2023. Collection method: clinical testing. Allele origin: germline.
Comment: The p.T287P variant (also known as c.859A>C), located in coding exon 5 of the MSH3 gene, results from an A to C substitution at nucleotide position 859. The threonine at codon 287 is replaced by proline, an amino acid with highly similar properties. This amino acid position is conserved. In addition, the in silico prediction for this alteration is inconclusive. Since supporting evidence is limited at this time, the clinical significance of this alteration remains unclear.

GeneDx
Classification: Uncertain significance. Last evaluated: 2022-03-04. Review status: criteria provided, single submitter. Criteria: GeneDx Variant Classification Process June 2021. Collection method: clinical testing. Allele origin: germline. Affected: yes.
Comment: Not observed at significant frequency in large population cohorts (gnomAD); In silico analysis supports that this missense variant has a deleterious effect on protein structure/function; Has not been previously published as pathogenic or benign to our knowledge; Variants in candidate genes are classified as variants of uncertain significance in accordance with ACMG guidelines (Richards 2015)

NM_002439.5(MSH3):c.859A>C (p.Thr287Pro)

Gene: MSH3 (mutS homolog 3; plus strand). Cytogenetic location: 5q14.1.
Variant type: single nucleotide variant.
Coding change: c.859A>C on transcript NM_002439.5 (MANE Select); coding-DNA position 859, A replaced by C.
Protein change: p.Thr287Pro; replaces threonine 287 with proline.
Molecular consequence: missense variant.
Genome position (GRCh38, 1-based): chr5:80,672,310, A>C. VCF-style: chr5-80672310-A-C. GRCh37 (hg19) VCF-style: chr5-79968129-A-C.
Other names: short protein forms T287P.
Identifiers: ClinVar variation 1704037 (VCV001704037.4), dbSNP rs1482733280, ClinGen allele CA360267197.